The following continues an entry in ClinVar:

NM_006912.6(RIT1):c.284G>C (p.Gly95Ala)

Gene: RIT1. ClinVar aggregate classification (germline): Pathogenic. Pathogenic (17).

Submissions 11 to 24 of 24:

Women's Health and Genetics/Laboratory Corporation of America, LabCorp
Classification: Pathogenic for Rasopathy. Last evaluated: 2019-10-29. Review status: criteria provided, single submitter. Criteria: LabCorp Variant Classification Summary - May 2015. Collection method: clinical testing. Allele origin: germline.
Comment: Variant summary: RIT1 c.284G>C (p.Gly95Ala) results in a non-conservative amino acid change located in the small GTP-binding protein domain (IPR005225), in the switch II region (Chen_2014) of the encoded protein sequence. Five of five in-silico tools predict a damaging effect of the variant on protein function. The variant was absent in 251438 control chromosomes (gnomAD). c.284G>C has been reported in the literature in heterozygous state in several individuals affected with Noonan Syndrome and Related Conditions, including confirmed de novo occurrences, and segregation with disease in at least 1 family (Aoki_2013, Chen_2014, Kouz_2016). These data indicate that the variant is very likely to be associated with disease. Publications also reported experimental evidence evaluating an impact on protein function, and demonstrated that the variant protein increases the activity of the RAS/MAPK pathway (Aoki_2013, Chen_2014). In addition, transfection of the variant into zebrafish embryos resulted in a variety of developmental defects, consistent with the disease phenotype observed in humans (Aoki_2013). Seven ClinVar submissions (evaluation after 2014) cite the variant as pathogenic. Based on the evidence outlined above, the variant was classified as pathogenic.

Genome Diagnostics Laboratory, The Hospital for Sick Children
Classification: Pathogenic for Noonan syndrome and Noonan-related syndrome. Last evaluated: 2019-08-01. Review status: criteria provided, single submitter. Criteria: ACMG Guidelines, 2015. Collection method: clinical testing. Allele origin: germline. Affected: yes.

Ambry Genetics
Classification: Pathogenic for Cardiovascular phenotype. Last evaluated: 2019-03-21. Review status: criteria provided, single submitter. Criteria: Ambry Variant Classification Scheme 2023. Collection method: clinical testing. Allele origin: germline.
Comment: The p.G95A pathogenic mutation (also known as c.284G>C), located in coding exon 4 of the RIT1 gene, results from a G to C substitution at nucleotide position 284. The glycine at codon 95 is replaced by alanine, an amino acid with similar properties. This alteration has been observed in multiple individuals with Noonan syndrome (Cav&eacute; H et al. Eur. J. Hum. Genet., 2016 08;24:1124-31; Milosavljevi D et al. Am. J. Med. Genet. A, 2016 07;170:1874-80; Chen PC et al. Proc. Natl. Acad. Sci. U.S.A., 2014 Aug;111:11473-8; Bertola DR et al. Am. J. Med. Genet. A, 2014 Nov;164A:2952-7; Kouz K et al. Genet. Med., 2016 12;18:1226-1234; Gos M et al. Am. J. Med. Genet. A, 2014 Sep;164A:2310-6) and occurred de novo in three individuals with Noonan syndrome (Aoki Y et al. Am. J. Hum. Genet., 2013 Jul;93:173-80; Yaoita M et al. Hum. Genet., 2016 Feb;135:209-22). Based on the available evidence, this variant is classified as a pathogenic mutation.

Fulgent Genetics
Classification: Pathogenic for Noonan syndrome 8. Last evaluated: 2018-10-31. Review status: criteria provided, single submitter. Criteria: ACMG Guidelines, 2015. Collection method: clinical testing. Allele origin: unknown.

Eurofins Ntd Llc (ga)
Classification: Pathogenic. Last evaluated: 2017-06-26. Review status: criteria provided, single submitter. Criteria: EGL Classification Definitions 2015. Collection method: clinical testing. Allele origin: germline. Observed: 2 variant alleles, 2 heterozygotes.

Clinical Genetics and Genomics, Karolinska University Hospital
Classification: Pathogenic. Last evaluated: 2015-11-05. Review status: criteria provided, single submitter. Criteria: ACMG Guidelines, 2015. Collection method: clinical testing. Allele origin: germline. Affected: yes. Observed: 4 variant alleles.

Laboratory for Molecular Medicine, Mass General Brigham Personalized Medicine
Classification: Pathogenic for Noonan syndrome. Last evaluated: 2015-03-18. Review status: criteria provided, single submitter. Criteria: LMM Criteria. Collection method: clinical testing. Allele origin: germline. Inheritance: Autosomal dominant inheritance. Observed: 4 variant alleles.
Comment: The p.Gly112Ala variant in RIT1 (also reported as p.Gly95Ala on transcript NM_00 6912.5) has been reported in at least 9 individuals with clinical features of No onan syndrome including 2 de novo occurrences (Aoki 2013, Bertola 2014, Chen 201 4, Gos 2014), and was absent from large population studies. In vitro functional studies provide conflicting evidence on the impact of the p.Gly112Ala variant on protein function (Aoki 2013, Chen 2014), but these types of assays may not accu rately represent biological function. However, animal models in the zebrafish ha ve shown that this variant causes developmental anomalies similar to those seen in Noonan syndrome (Aoki 2013). In summary, this variant meets our criteria to b e classified as pathogenic for Noonan syndrome in an autosomal dominant manner based upon de novo occurrences , absence from controls, and functional evidence.

PreventionGenetics, part of Exact Sciences
Classification: Pathogenic for RIT1-related condition. Last evaluated: 2024-02-15. Review status: no assertion criteria provided. Collection method: clinical testing. Allele origin: germline. Not counted in ClinVar's aggregate classification.
Comment: The RIT1 c.335G>C variant is predicted to result in the amino acid substitution p.Gly112Ala. This variant is also referred to as p.Gly95Ala in an alternate transcript (NM_006912.6). This variant has been reported in at least 11 individuals with Noonan syndrome and was documented as a de novo event in at least two individuals (Aoki et al. 2013. PubMed ID: 23791108; Bertola et al. 2014. PubMed ID: 25124994; Chen et al. 2014. PubMed ID: 25049390; Gos et al. 2014. PubMed ID: 24939608; Milosavljević et al. 2016. PubMed ID: 27109146). Functional studies provide conflicting evidence on the effect of this variant on RIT1 function (Aoki et al. 2013. PubMed ID: 23791108; Chen et al. 2014. PubMed ID: 25049390). In ClinVar, this variant has been interpreted as pathogenic by multiple clinical labs. This variant has not been reported in a large population database, indicating this variant is rare. This variant is interpreted as pathogenic.

Clinical Molecular Genetics Laboratory, Johns Hopkins All Children's Hospital
Classification: Pathogenic for Noonan syndrome. Last evaluated: 2017-04-21. Review status: no assertion criteria provided. Collection method: clinical testing. Allele origin: germline. Affected: yes. Not counted in ClinVar's aggregate classification.

OMIM
Classification: Pathogenic for NOONAN SYNDROME 8. Last evaluated: 2014-11-01. Review status: no assertion criteria provided. Collection method: literature only. Allele origin: germline. Not counted in ClinVar's aggregate classification.

Diagnostic Laboratory, Department of Genetics, University Medical Center Groningen
Classification: Pathogenic. Review status: no assertion criteria provided. Collection method: clinical testing. Allele origin: germline. Affected: yes. Study: VKGL Data-share Consensus. Not counted in ClinVar's aggregate classification.

Joint Genome Diagnostic Labs from Nijmegen and Maastricht, Radboudumc and MUMC+
Classification: Pathogenic. Review status: no assertion criteria provided. Collection method: clinical testing. Allele origin: germline. Affected: yes. Study: VKGL Data-share Consensus. Not counted in ClinVar's aggregate classification.

Molecular Genetics, Centre for Human Genetics
Classification: Pathogenic for Noonan syndrome 1. Review status: no assertion criteria provided. Collection method: clinical testing. Allele origin: de novo. Inheritance: Autosomal dominant inheritance. Affected: yes. Observed: 1 variant allele. Not counted in ClinVar's aggregate classification.

Service de Génétique Moléculaire, Hôpital Robert Debré
Classification: Pathogenic for Noonan's syndrome. Review status: no assertion criteria provided. Criteria: clinical testing. Collection method: clinical testing. Allele origin: de novo, paternal, unknown. Affected: yes. Observed: 7 variant alleles. Not counted in ClinVar's aggregate classification.

Literature cited by the submitters: PubMed 29493581 (cited by OLLIN Analises Genomicas, OLLIN); PubMed 23791108 (cited by 8 submitters); PubMed 26714497 (cited by 5 submitters); PubMed 25124994 (cited by 5 submitters); PubMed 2439608 (cited by Labcorp Genetics (formerly Invitae), Labcorp); PubMed 25049390 (cited by 4 submitters); PubMed 26757980 (cited by Labcorp Genetics (formerly Invitae), Labcorp and Ambry Genetics); PubMed 27101134 (cited by 3 submitters); PubMed 27109146 (cited by Labcorp Genetics (formerly Invitae), Labcorp and Ambry Genetics); PubMed 27226556 (cited by Labcorp Genetics (formerly Invitae), Labcorp and Ambry Genetics); PubMed 29734338 (cited by Victorian Clinical Genetics Services, Murdoch Childrens Research Institute); PubMed 24939608 (cited by 3 submitters).